The following is an entry in ClinVar:

NM_172107.4(KCNQ2):c.1121C>T (p.Ser374Leu)

Gene: KCNQ2 (potassium voltage-gated channel subfamily Q member 2; minus strand). Cytogenetic location: 20q13.33.
Variant type: single nucleotide variant.
Coding change: c.1121C>T on transcript NM_172107.4 (MANE Select); coding-DNA position 1121, C replaced by T.
Protein change: p.Ser374Leu; replaces serine 374 with leucine.
Molecular consequence: missense variant. On other transcripts: intron variant (1).
Genome position (GRCh38, 1-based): chr20:63,431,367, G>A on the plus strand (C>T on the coding strand, the complement: KCNQ2 is on the minus strand). VCF-style: chr20-63431367-G-A. GRCh37 (hg19) VCF-style: chr20-62062720-G-A.
Other names: c.1121C>T, p.Ser374Leu (NM_172106.3, NM_172108.5); c.1118+2442C>T (NM_004518.6); short protein forms S374L.
Identifiers: ClinVar variation 513677 (VCV000513677.15), dbSNP rs777940990, ClinGen allele CA9958600.

ClinVar aggregate classification (germline): Conflicting classifications of pathogenicity. Review status: criteria provided, conflicting classifications (1 of 4 stars). 3 submissions from 3 submitters: Uncertain significance (2); Likely benign (1). Last evaluated 2025-04-17.

Conditions:
Inborn genetic diseases. Identifiers: MedGen C0950123, MeSH D030342.
Early-infantile DEE. Also called: Early infantile epileptic encephalopathy; Ohtahara syndrome; Early infantile epileptic encephalopathy with suppression bursts. Identifiers: Orphanet 1934, MedGen C0393706, MONDO:0800491.

Allele frequency attached by ClinVar (database versions not stated): ExAC 0.00002; gnomAD 0.00002; gnomAD exomes 0.00002; TOPMed 0.00002.
gnomAD v4.1: 16 of 1,613,612 alleles (0.00099%); highest among the groups gnomAD compares: African/African-American, 0.0053%; no homozygotes.

Submissions (3):

Labcorp Genetics (formerly Invitae), Labcorp
Classification: Uncertain significance for Early-infantile DEE. Last evaluated: 2025-04-17. Review status: criteria provided, single submitter. Criteria: Invitae Variant Classification Sherloc (09022015). Collection method: clinical testing. Allele origin: germline.
Comment: This sequence change replaces serine, which is neutral and polar, with leucine, which is neutral and non-polar, at codon 374 of the KCNQ2 protein (p.Ser374Leu). This variant is present in population databases (rs777940990, gnomAD 0.01%). This variant has not been reported in the literature in individuals affected with KCNQ2-related conditions. ClinVar contains an entry for this variant (Variation ID: 513677). An algorithm developed to predict the effect of missense changes on protein structure and function (PolyPhen-2) suggests that this variant is likely to be tolerated. Algorithms developed to predict the effect of sequence changes on RNA splicing suggest that this variant may disrupt the consensus splice site. In summary, the available evidence is currently insufficient to determine the role of this variant in disease. Therefore, it has been classified as a Variant of Uncertain Significance.

GeneDx
Classification: Likely benign. Last evaluated: 2018-02-07. Review status: criteria provided, single submitter. Criteria: GeneDx Variant Classification (06012015). Collection method: clinical testing. Allele origin: germline. Affected: yes.
Comment: This variant is considered likely benign or benign based on one or more of the following criteria: it is a conservative change, it occurs at a poorly conserved position in the protein, it is predicted to be benign by multiple in silico algorithms, and/or has population frequency not consistent with disease.

Ambry Genetics
Classification: Uncertain significance for Inborn genetic diseases. Last evaluated: 2017-01-18. Review status: criteria provided, single submitter. Criteria: Ambry Variant Classification Scheme 2023. Collection method: clinical testing. Allele origin: germline.
Comment: The p.S374L variant (also known as c.1121C>T), located in coding exon 9 of the KCNQ2 gene, results from a C to T substitution at nucleotide position 1121. The serine at codon 374 is replaced by leucine, an amino acid with dissimilar properties. This amino acid position is well conserved in available vertebrate species. In addition, the in silico prediction for this alteration is inconclusive. Since supporting evidence is limited at this time, the clinical significance of this alteration remains unclear.